The following is an entry in ClinVar:

ClinVar aggregate classification (germline): Pathogenic (1 of 4 stars; one submission).

Conditions:
Hereditary spastic paraplegia 2 (SPG2). Also called: SPASTIC PARAPLEGIA 2, X-LINKED; Spastic Paraplegia 2 (SPG2). Identifiers: Orphanet 99015, MedGen C0751604, MONDO:0010733, OMIM 312920.

Submission:

Labcorp Genetics (formerly Invitae), Labcorp
Classification: Pathogenic for Spastic paraplegia 2. Last evaluated: 2018-08-14. Review status: criteria provided, single submitter. Criteria: Invitae Variant Classification Sherloc (09022015). Collection method: clinical testing. Allele origin: germline.
Comment: A gross duplication of the genomic region encompassing the full coding sequence of the PLP1 gene has been identified. The boundaries of this event are unknown as the duplication extends beyond the assayed region for this gene and therefore may encompass additional genes. As the precise location of this duplication is unknown, it may be in tandem or it may be located elsewhere in the genome. Duplication of PLP1 is clearly defined as a Pelizaeus-Merzbacher disease causative allele and is the most common cause of disease in affected individuals (PMID: 9633722, 10417279, 8659540, 10319885, 23347225). For these reasons, this variant has been classified as Pathogenic.

Literature cited by the submitters: PubMed 10319885; PubMed 9633722; PubMed 8659540; PubMed 23347225; PubMed 10417279.

NC_000023.10:g.(?_103031893)_(103045546_?)dup

Gene: PLP1 (proteolipid protein 1; plus strand). Cytogenetic location: Xq22.2.
Variant type: Duplication.
Identifiers: ClinVar variation 533385 (VCV000533385.2).